The following continues an entry in ClinVar:

NM_000059.4(BRCA2):c.1385A>G (p.Glu462Gly)

Gene: BRCA2. ClinVar aggregate classification (germline): Benign. Benign (1).

Submissions 17 to 31 of 31:

Women's Health and Genetics/Laboratory Corporation of America, LabCorp
Classification: Benign for Hereditary breast ovarian cancer syndrome. Last evaluated: 2015-08-20. Review status: criteria provided, single submitter. Criteria: LabCorp Variant Classification Summary - May 2015. Collection method: clinical testing. Allele origin: germline. Not counted in ClinVar's aggregate classification.
Comment: Variant Summary: The c.1385A>G variant involves the alteration of a non-conserved nucleotide and 2/5 in silico tools predict a benign outcome. The variant was observed in the large and broad cohorts of the ExAC project at an allele frequency of 0.023%, primarily observed in the European (Non-Finnish) cohort at a frequency of 0.041%. These frequencies do not exceed the maximal expected allele frequency for a pathogenic variant in BRCA2 (0.075%). The variant was reported in the literature and databases in individuals who also have pathogenic BRCA1 (n=1) and BRCA2 (n=3) mutations (UMD, BIC, Simard_2007) suggesting a benign nature of the variant. Additionally, the variant was found to not segregate with disease in families tested (3 affected family members did not carry the variant; Gomez Garcia_2009). Functional studies showed the variant performed similarly to wild-type BRCA2 in assays of cellular survival and viability, homologous recombination repair, and genome instability (Wu_2005). Multiple reputable databases and clinical labs all classify the variant as benign/likely benign (Emory Genteics, UMD, ARUP, Ambry Genetics, SCRP, GeneDx, Counsyl) along with publications using multifactorial probability based models (Lindor_2012, Gomez Garcia_2009). All data, including co-segregation, functional assays, co-occurrence and the occurrence of this variant in the control population all support the classification of benign, therefore this variant has been classified as benign.

Color Diagnostics, LLC DBA Color Health
Classification: Likely benign for Hereditary cancer-predisposing syndrome. Last evaluated: 2015-02-05. Review status: criteria provided, single submitter. Criteria: ACMG Guidelines, 2015. Collection method: clinical testing. Allele origin: germline. Not counted in ClinVar's aggregate classification.

Ambry Genetics
Classification: Benign for Hereditary cancer-predisposing syndrome. Last evaluated: 2014-11-19. Review status: criteria provided, single submitter. Criteria: Ambry Variant Classification Scheme 2023. Collection method: clinical testing. Allele origin: germline. Not counted in ClinVar's aggregate classification.

Eurofins Ntd Llc (ga)
Classification: Benign. Last evaluated: 2014-10-13. Review status: criteria provided, single submitter. Criteria: EGL Classification Definitions 2015. Collection method: clinical testing. Allele origin: germline. Not counted in ClinVar's aggregate classification.

Genome Diagnostics Laboratory, University Medical Center Utrecht
Classification: Benign for Breast-ovarian cancer, familial, susceptibility to, 2. Last evaluated: 2014-10-09. Review status: criteria provided, single submitter. Criteria: ACGS Guidelines, 2013. Collection method: clinical testing. Allele origin: germline. Affected: yes. Study: VKGL Data-share Consensus. Not counted in ClinVar's aggregate classification.

PreventionGenetics, part of Exact Sciences
Classification: Likely benign. Review status: criteria provided, single submitter. Criteria: ACMG Guidelines, 2015. Collection method: clinical testing. Allele origin: germline. Not counted in ClinVar's aggregate classification.

BRCAlab, Lund University
Classification: Benign for Breast-ovarian cancer, familial, susceptibility to, 2. Last evaluated: 2020-03-02. Review status: no assertion criteria provided. Collection method: clinical testing. Allele origin: germline. Affected: yes. Not counted in ClinVar's aggregate classification.

Mayo Clinic Laboratories, Mayo Clinic
Classification: Benign. Last evaluated: 2017-04-14. Review status: no assertion criteria provided. Collection method: clinical testing. Allele origin: unknown. Not counted in ClinVar's aggregate classification.

Counsyl
Classification: Likely benign for Breast-ovarian cancer, familial 2. Last evaluated: 2014-07-10. Review status: no assertion criteria provided. Collection method: literature only. Allele origin: unknown. Inheritance: Autosomal dominant inheritance. Not counted in ClinVar's aggregate classification.

Sharing Clinical Reports Project (SCRP)
Classification: Benign for Breast-ovarian cancer, familial 2. Last evaluated: 2006-09-07. Review status: no assertion criteria provided. Collection method: clinical testing. Allele origin: germline. Not counted in ClinVar's aggregate classification.

Breast Cancer Information Core (BIC) (BRCA2)
Classification: Uncertain significance for Breast-ovarian cancer, familial 2. Last evaluated: 2002-05-29. Review status: no assertion criteria provided. Collection method: clinical testing. Allele origin: germline. Affected: yes. Observed: 37 variant alleles. Not counted in ClinVar's aggregate classification.

Clinical Genetics Laboratory, Department of Pathology, Netherlands Cancer Institute
Classification: Benign. Review status: no assertion criteria provided. Collection method: clinical testing. Allele origin: germline. Affected: yes. Study: VKGL Data-share Consensus. Not counted in ClinVar's aggregate classification.

Department of Pathology and Laboratory Medicine, Sinai Health System
Classification: Benign. Review status: no assertion criteria provided. Collection method: clinical testing. Allele origin: unknown. Affected: yes. Observed: 2 variant alleles. Study: The Canadian Open Genetics Repository (COGR). Not counted in ClinVar's aggregate classification.
Comment: The BRCA2 p.Glu462Gly variant was identified in 16 of 5462 proband chromosomes (frequency: 0.003) from individuals with breast or ovarian cancer and was absent in 200 control chromosomes from theses studies (Capanu 2011, Farrugia 2008, Hadjisavvas 2003, Hadjisavvas 2004, Simard 2007, van Harssel 2010); however, an insufficient number of controls were included in these studies to determine the frequency of this variant in the general population. The variant was also reported in HGMD, LOVD, UMD (14X as a neutral variant), and the BIC database (37X with unknown clinical importance). This variant was identified in dbSNP (ID: rs56403624) â€šÃ„ÃºWith non-pathogenic alleleâ€šÃ„Ã¹, and at a low frequency (0.0003) in the NHLBI Exome Sequencing Project. This residue is conserved in mammals but not in lower organisms, and computational analyses (PolyPhen-2, SIFT, AlignGVGD) provide inconsistent predictions regarding the impact to the protein; this information is not very predictive of pathogenicity. Functional assays assessing cell survival, homologous recombination, centrosome regulation and nuclear localization have found no effect of the variant on normal BRCA2 function (Farrugia 2008, Wu 2005). In addition, five in silico studies predict this variant to be neutral or of little clinical significance (Capanu 2011 21520273, Easton 2007, Farrugia 2008, Lindor 2012, van Harssel 2010). This variant was not found to co-segregate with disease in an assessment of four families (Mohammadi 2009), and Simard (2007) found this variant co-occurring with a known deleterious mutation, increasing the likelihood that this variant does not have functional importance. Furthermore, Myriad classifies this variant as a polymorphism (personal communication). In summary, based on the above information, this variant meets our laboratory's criteria to be classified as benign.

Joint Genome Diagnostic Labs from Nijmegen and Maastricht, Radboudumc and MUMC+
Classification: Benign. Review status: no assertion criteria provided. Collection method: clinical testing. Allele origin: germline. Affected: yes. Study: VKGL Data-share Consensus. Not counted in ClinVar's aggregate classification.

Laboratory of Diagnostic Genome Analysis, Leiden University Medical Center (LUMC)
Classification: Benign. Review status: no assertion criteria provided. Collection method: clinical testing. Allele origin: germline. Affected: yes. Study: VKGL Data-share Consensus. Not counted in ClinVar's aggregate classification.

Literature cited by the submitters: PubMed 21990134 (cited by 3 submitters); PubMed 15695382 (cited by Women's Health and Genetics/Laboratory Corporation of America, LabCorp and Counsyl); PubMed 19200354 (cited by Women's Health and Genetics/Laboratory Corporation of America, LabCorp and Counsyl); PubMed 16905680 (cited by Women's Health and Genetics/Laboratory Corporation of America, LabCorp and Counsyl); PubMed 12552570 (cited by Women's Health and Genetics/Laboratory Corporation of America, LabCorp and Counsyl); PubMed 10717622 (cited by Women's Health and Genetics/Laboratory Corporation of America, LabCorp and Counsyl); PubMed 15026808 (cited by Counsyl); PubMed 15172753 (cited by Counsyl); PubMed 17924331 (cited by Counsyl); PubMed 24323938 (cited by Counsyl); PubMed 19563646 (cited by Counsyl); PubMed 21952622 (cited by Counsyl); PubMed 18451181 (cited by Counsyl); PubMed 21520273 (cited by Counsyl).